The following is an entry in ClinVar:

NM_020320.5(RARS2):c.16C>G (p.Arg6Gly)

Gene: RARS2 (arginyl-tRNA synthetase 2, mitochondrial; minus strand). Cytogenetic location: 6q15.
Variant type: single nucleotide variant.
Coding change: c.16C>G on transcript NM_020320.5 (MANE Select); coding-DNA position 16, C replaced by G.
Protein change: p.Arg6Gly; replaces arginine 6 with glycine.
Molecular consequence: missense variant. On other transcripts: 5 prime UTR variant (7), non-coding transcript variant (23).
Genome position (GRCh38, 1-based): chr6:87,589,942, G>C on the plus strand (C>G on the coding strand, the complement: RARS2 is on the minus strand). VCF-style: chr6-87589942-G-C. GRCh37 (hg19) VCF-style: chr6-88299660-G-C.
Other names: c.-675C>G (NM_001318785.2); c.16C>G, p.Arg6Gly (NM_001350505.2); c.-731C>G (NM_001350506.2, NM_001350510.2); c.-854C>G (NM_001350507.2); c.-893C>G (NM_001350508.2); c.-601C>G (NM_001350509.2); c.-850C>G (NM_001350511.2); short protein forms R6G.
Identifiers: ClinVar variation 3342893 (VCV003342893.1).

ClinVar aggregate classification (germline): Uncertain significance (1 of 4 stars; one submission).

Submission:

GeneDx
Classification: Uncertain significance. Last evaluated: 2023-12-13. Review status: criteria provided, single submitter. Criteria: GeneDx Variant Classification Process June 2021. Collection method: clinical testing. Allele origin: germline. Affected: yes.
Comment: Not observed at significant frequency in large population cohorts (gnomAD); In silico analysis supports that this missense variant has a deleterious effect on protein structure/function; Has not been previously published as pathogenic or benign to our knowledge